The following is an entry in ClinVar:

NM_002519.3(NPAT):c.2389G>T (p.Gly797Cys)

Gene: NPAT (nuclear protein, coactivator of histone transcription; minus strand). Cytogenetic location: 11q22.3.
Variant type: single nucleotide variant.
Coding change: c.2389G>T on transcript NM_002519.3 (MANE Select); coding-DNA position 2389, G replaced by T.
Protein change: p.Gly797Cys; replaces glycine 797 with cysteine.
Molecular consequence: missense variant.
Genome position (GRCh38, 1-based): chr11:108,172,595, C>A on the plus strand (G>T on the coding strand, the complement: NPAT is on the minus strand). VCF-style: chr11-108172595-C-A. GRCh37 (hg19) VCF-style: chr11-108043322-C-A.
Other names: c.2389G>T, p.Gly797Cys (NM_001321307.1); short protein forms G797C.
Identifiers: ClinVar variation 1790530 (VCV001790530.2), dbSNP rs746414419, ClinGen allele CA382513083.

ClinVar aggregate classification (germline): Uncertain significance (1 of 4 stars; one submission).

Submission:

Ambry Genetics
Classification: Uncertain significance. Last evaluated: 2022-04-24. Review status: criteria provided, single submitter. Criteria: Ambry Variant Classification Scheme 2023. Collection method: clinical testing. Allele origin: germline.
Comment: The p.G797C variant (also known as c.2389G>T), located in coding exon 13 of the NPAT gene, results from a G to T substitution at nucleotide position 2389. The glycine at codon 797 is replaced by cysteine, an amino acid with highly dissimilar properties. This amino acid position is conserved. In addition, this alteration is predicted to be tolerated by in silico analysis. Since supporting evidence is limited at this time, the clinical significance of this alteration remains unclear.